The following is an entry in ClinVar:

ClinVar aggregate classification (germline): Uncertain significance (1 of 4 stars; one submission).

Conditions:
Developmental and epileptic encephalopathy, 42 (DEE42A). Also called: DEVELOPMENTAL AND EPILEPTIC ENCEPHALOPATHY 42A; EPILEPTIC ENCEPHALOPATHY, EARLY INFANTILE, 42A; Epileptic encephalopathy, early infantile, 42. Identifiers: MedGen C4310716, MONDO:0014917, OMIM 617106.
Episodic ataxia type 2 (EA2). Also called: CEREBELLAR ATAXIA, PAROXYSMAL, ACETAZOLAMIDE-RESPONSIVE; CEREBELLOPATHY, HEREDITARY PAROXYSMAL; EPISODIC ATAXIA, NYSTAGMUS-ASSOCIATED; ACETAZOLAMIDE-RESPONSIVE HEREDITARY PAROXYSMAL CEREBELLAR ATAXIA; ATAXIA, EPISODIC, WITH NYSTAGMUS; ATAXIA, FAMILIAL PAROXYSMAL. Identifiers: Orphanet 97, MedGen C1720416, MONDO:0007163, OMIM 108500.

Submission:

Labcorp Genetics (formerly Invitae), Labcorp
Classification: Uncertain significance for Developmental and epileptic encephalopathy, 42; Episodic ataxia type 2. Last evaluated: 2020-08-20. Review status: criteria provided, single submitter. Criteria: Invitae Variant Classification Sherloc (09022015). Collection method: clinical testing. Allele origin: germline.
Comment: In summary, the available evidence is currently insufficient to determine the role of this variant in disease. Therefore, it has been classified as a Variant of Uncertain Significance. Algorithms developed to predict the effect of missense changes on protein structure and function (SIFT, PolyPhen-2, Align-GVGD) all suggest that this variant is likely to be tolerated, but these predictions have not been confirmed by published functional studies and their clinical significance is uncertain. This variant has not been reported in the literature in individuals with CACNA1A-related conditions. This variant is not present in population databases (ExAC no frequency). This sequence change replaces isoleucine with threonine at codon 1603 of the CACNA1A protein (p.Ile1603Thr). The isoleucine residue is moderately conserved and there is a moderate physicochemical difference between isoleucine and threonine.

NM_001127222.2(CACNA1A):c.4805T>C (p.Ile1602Thr)

Gene: CACNA1A (calcium voltage-gated channel subunit alpha1 A; minus strand). Cytogenetic location: 19p13.13.
Variant type: single nucleotide variant.
Coding change: c.4805T>C on transcript NM_001127222.2 (MANE Select); coding-DNA position 4805, T replaced by C.
Protein change: p.Ile1602Thr; replaces isoleucine 1602 with threonine.
Molecular consequence: missense variant.
Genome position (GRCh38, 1-based): chr19:13,253,052, A>G on the plus strand (T>C on the coding strand, the complement: CACNA1A is on the minus strand). VCF-style: chr19-13253052-A-G. GRCh37 (hg19) VCF-style: chr19-13363866-A-G.
Other names: c.4817T>C, p.Ile1606Thr (NM_000068.4, NM_023035.3); c.4808T>C, p.Ile1603Thr (NM_001127221.2, NM_001174080.2); short protein forms I1602T, I1606T, I1603T.
Identifiers: ClinVar variation 1046814 (VCV001046814.9), dbSNP rs2056444494, ClinGen allele CA404338188.